The following is an entry in ClinVar:

ClinVar aggregate classification (germline): Conflicting classifications of pathogenicity. Review status: criteria provided, conflicting classifications (1 of 4 stars). 3 submissions from 3 submitters: Uncertain significance (2); Likely benign (1). Last evaluated 2025-04-10.

Conditions:
Inborn genetic diseases. Identifiers: MedGen C0950123, MeSH D030342.

Allele frequency attached by ClinVar (database versions not stated): gnomAD exomes 0.00003 and 0.00005; gnomAD 0.00007 and 0.00008; ESP Exome Variant Server 0.00008; ExAC 0.00009; TOPMed 0.00009.
gnomAD v4.1: 52 of 1,613,156 alleles (0.0032%); highest among the groups gnomAD compares: Middle Eastern, 0.033%; no homozygotes.

Submissions (3):

Ambry Genetics
Classification: Uncertain significance for Inborn genetic diseases. Last evaluated: 2025-04-10. Review status: criteria provided, single submitter. Criteria: Ambry Variant Classification Scheme 2023. Collection method: clinical testing. Allele origin: germline.

Labcorp Genetics (formerly Invitae), Labcorp
Classification: Likely benign. Last evaluated: 2024-08-23. Review status: criteria provided, single submitter. Criteria: Invitae Variant Classification Sherloc (09022015). Collection method: clinical testing. Allele origin: germline.

GeneDx
Classification: Uncertain significance. Last evaluated: 2020-10-08. Review status: criteria provided, single submitter. Criteria: GeneDx Variant Classification Process June 2021. Collection method: clinical testing. Allele origin: germline. Affected: yes.
Comment: Has not been previously published as pathogenic or benign to our knowledge; In silico analysis supports that this missense variant has a deleterious effect on protein structure/function

NM_001853.4(COL9A3):c.332C>T (p.Pro111Leu)

Gene: COL9A3 (collagen type IX alpha 3 chain; plus strand). Cytogenetic location: 20q13.33.
Variant type: single nucleotide variant.
Coding change: c.332C>T on transcript NM_001853.4 (MANE Select); coding-DNA position 332, C replaced by T.
Protein change: p.Pro111Leu; replaces proline 111 with leucine.
Molecular consequence: missense variant.
Genome position (GRCh38, 1-based): chr20:62,821,203, C>T. VCF-style: chr20-62821203-C-T. GRCh37 (hg19) VCF-style: chr20-61452555-C-T.
Other names: short protein forms P111L.
Identifiers: ClinVar variation 1189686 (VCV001189686.12), dbSNP rs368744467, ClinGen allele CA9949162.